The following is an entry in ClinVar:

ClinVar aggregate classification (germline): Uncertain significance (1 of 4 stars; one submission).

Submission:

GeneDx
Classification: Uncertain significance. Last evaluated: 2024-01-07. Review status: criteria provided, single submitter. Criteria: GeneDx Variant Classification Process June 2021. Collection method: clinical testing. Allele origin: germline. Affected: yes.
Comment: Not observed at significant frequency in large population cohorts (gnomAD); In silico analysis supports that this missense variant has a deleterious effect on protein structure/function; This variant is associated with the following publications: (PMID: 36190515)

NM_004483.5(GCSH):c.442A>C (p.Thr148Pro)

Gene: GCSH (glycine cleavage system protein H; minus strand). Cytogenetic location: 16q23.2.
Variant type: single nucleotide variant.
Coding change: c.442A>C on transcript NM_004483.5 (MANE Select); coding-DNA position 442, A replaced by C.
Protein change: p.Thr148Pro; replaces threonine 148 with proline.
Molecular consequence: missense variant. On other transcripts: non-coding transcript variant (1).
Genome position (GRCh38, 1-based): chr16:81,082,946, T>G on the plus strand (A>C on the coding strand, the complement: GCSH is on the minus strand). VCF-style: chr16-81082946-T-G. GRCh37 (hg19) VCF-style: chr16-81116551-T-G.
Other names: short protein forms T148P.
Identifiers: ClinVar variation 3342848 (VCV003342848.1).